The following is an entry in ClinVar:

NM_001035.3(RYR2):c.14204A>T (p.Asn4735Ile)

Gene: RYR2 (ryanodine receptor 2; plus strand). Cytogenetic location: 1q43.
Variant type: single nucleotide variant.
Coding change: c.14204A>T on transcript NM_001035.3 (MANE Select); coding-DNA position 14204, A replaced by T.
Protein change: p.Asn4735Ile; replaces asparagine 4735 with isoleucine.
Molecular consequence: missense variant.
Genome position (GRCh38, 1-based): chr1:237,806,189, A>T. VCF-style: chr1-237806189-A-T. GRCh37 (hg19) VCF-style: chr1-237969489-A-T.
Other names: short protein forms N4735I.
Identifiers: ClinVar variation 2714473 (VCV002714473.3), dbSNP rs2528137593, ClinGen allele CA345422905.

ClinVar aggregate classification (germline): Uncertain significance (1 of 4 stars; one submission).

Conditions:
Catecholaminergic polymorphic ventricular tachycardia 1. Also called: VENTRICULAR TACHYCARDIA, STRESS-INDUCED POLYMORPHIC 1; RYR2-Related Catecholaminergic Polymorphic Ventricular Tachycardia; VENTRICULAR TACHYCARDIA, CATECHOLAMINERGIC POLYMORPHIC, 1, WITH OR WITHOUT ATRIAL DYSFUNCTION AND/OR DILATED CARDIOMYOPATHY. Identifiers: Orphanet 3286, MedGen C1631597, MONDO:0011484, OMIM 604772.

Submission:

Labcorp Genetics (formerly Invitae), Labcorp
Classification: Uncertain significance for Catecholaminergic polymorphic ventricular tachycardia 1. Last evaluated: 2023-06-14. Review status: criteria provided, single submitter. Criteria: Invitae Variant Classification Sherloc (09022015). Collection method: clinical testing. Allele origin: germline.
Comment: This sequence change replaces asparagine, which is neutral and polar, with isoleucine, which is neutral and non-polar, at codon 4735 of the RYR2 protein (p.Asn4735Ile). This variant is not present in population databases (gnomAD no frequency). This variant has not been reported in the literature in individuals affected with RYR2-related conditions. Advanced modeling of protein sequence and biophysical properties (such as structural, functional, and spatial information, amino acid conservation, physicochemical variation, residue mobility, and thermodynamic stability) performed at Invitae indicates that this missense variant is expected to disrupt RYR2 protein function. In summary, the available evidence is currently insufficient to determine the role of this variant in disease. Therefore, it has been classified as a Variant of Uncertain Significance.